The following is an entry in ClinVar:

ClinVar aggregate classification (germline): Pathogenic. Review status: criteria provided, single submitter (1 of 4 stars). 2 submissions from 2 submitters: Pathogenic (1). 1 of the submissions does not count toward it. Last evaluated 2022-03-16.

Conditions:
Hypogonadotropic hypogonadism 1 with or without anosmia (HH1). Also called: Hypogonadotropic hypogonadism 1 with or without anosmia (Kallmann syndrome 1); DYSPLASIA OLFACTOGENITALIS OF DE MORSIER; KAL1-Related GnRH Deficiency (Kallmann Syndrome 1; Kallmann Syndrome, X-Linked); Kallmann syndrome, type 1, X-linked; HYPOGONADOTROPIC HYPOGONADISM 1 WITH ANOSMIA; HYPOGONADOTROPIC HYPOGONADISM AND ANOSMIA. Identifiers: Orphanet 478, MedGen C1563719, MONDO:0010635, OMIM 308700. Disease mechanism: loss of function.

Submissions (2):

Labcorp Genetics (formerly Invitae), Labcorp
Classification: Pathogenic for Hypogonadotropic hypogonadism 1 with or without anosmia. Last evaluated: 2022-03-16. Review status: criteria provided, single submitter. Criteria: Invitae Variant Classification Sherloc (09022015). Collection method: clinical testing. Allele origin: germline.
Comment: For these reasons, this variant has been classified as Pathogenic. ClinVar contains an entry for this variant (Variation ID: 10004). This premature translational stop signal has been observed in individual(s) with Kallman syndrome and bilateral kidney agenesis (PMID: 1518845, 22035731, 28566479). This variant is not present in population databases (gnomAD no frequency). This sequence change creates a premature translational stop signal (p.Arg257*) in the ANOS1 gene. It is expected to result in an absent or disrupted protein product. Loss-of-function variants in ANOS1 are known to be pathogenic (PMID: 8504298, 11297579).

OMIM
Classification: Pathogenic for HYPOGONADOTROPIC HYPOGONADISM 1 WITH ANOSMIA. Last evaluated: 1992-09-01. Review status: no assertion criteria provided. Collection method: literature only. Allele origin: germline. Not counted in ClinVar's aggregate classification.

Literature cited by the submitters: PubMed 1518845 (cited by Labcorp Genetics (formerly Invitae), Labcorp and OMIM); PubMed 22035731 (cited by Labcorp Genetics (formerly Invitae), Labcorp); PubMed 28566479 (cited by Labcorp Genetics (formerly Invitae), Labcorp); PubMed 8504298 (cited by Labcorp Genetics (formerly Invitae), Labcorp); PubMed 11297579 (cited by Labcorp Genetics (formerly Invitae), Labcorp).

NM_000216.4(ANOS1):c.769C>T (p.Arg257Ter)

Gene: ANOS1 (anosmin 1; minus strand). Cytogenetic location: Xp22.31.
Variant type: single nucleotide variant.
Coding change: c.769C>T on transcript NM_000216.4 (MANE Select); coding-DNA position 769, C replaced by T.
Protein change: p.Arg257Ter; replaces arginine 257 with a stop codon.
Molecular consequence: nonsense.
Genome position (GRCh38, 1-based): chrX:8,585,354, G>A on the plus strand (C>T on the coding strand, the complement: ANOS1 is on the minus strand). VCF-style: chrX-8585354-G-A. GRCh37 (hg19) VCF-style: chrX-8553395-G-A.
Other names: short protein forms R257*.
Identifiers: ClinVar variation 10004 (VCV000010004.11), dbSNP rs137852513, ClinGen allele CA254965.
Genomic context (GRCh38, chrX:8,585,354, plus strand): 5'-GGGCAGTGAAGCCTCGAGTTCCATGCACATTCACAGCAGCCACTCGAAACTGGTACCATC[G>A]GCTGGGTCTTATGTCAGTCAGTTGAACTCGCTCGTCTGTGGTCTGAGGGGACATGTCACA-3'